The following is an entry in ClinVar:

ClinVar aggregate classification (germline): Pathogenic. Review status: criteria provided, multiple submitters, no conflicts (2 of 4 stars). 9 submissions from 9 submitters: Pathogenic (7). 2 of the submissions do not count toward it. Last evaluated 2025-08-18.

Conditions:
Sjögren-Larsson syndrome (SLS). Also called: FALDH DEFICIENCY; FATTY ALCOHOL:NAD+ OXIDOREDUCTASE DEFICIENCY; FATTY ALDEHYDE DEHYDROGENASE DEFICIENCY; ICHTHYOSIS, SPASTIC NEUROLOGIC DISORDER, AND OLIGOPHRENIA. Identifiers: Orphanet 816, MedGen C0037231, MONDO:0010031, OMIM 270200.

Allele frequency attached by ClinVar (database versions not stated): gnomAD 0.00001; TOPMed 0.00001; gnomAD exomes 0.00002; 1000 Genomes Project 30x 0.00016; 1000 Genomes Project 0.00020.
gnomAD v4.1: 37 of 1,604,176 alleles (0.0023%); highest among the groups gnomAD compares: Non-Finnish European, 0.0031%; no homozygotes.

Submissions (9):

Labcorp Genetics (formerly Invitae), Labcorp
Classification: Pathogenic. Last evaluated: 2025-08-18. Review status: criteria provided, single submitter. Criteria: Invitae Variant Classification Sherloc (09022015). Collection method: clinical testing. Allele origin: germline.
Comment: This sequence change replaces arginine, which is basic and polar, with cysteine, which is neutral and slightly polar, at codon 228 of the ALDH3A2 protein (p.Arg228Cys). This variant is present in population databases (rs72547566, gnomAD 0.003%). This missense change has been observed in individuals with Sjögren–Larsson syndrome (PMID: 10577908, 27717089, 28257279, 28471629, 30925032). It has also been observed to segregate with disease in related individuals. ClinVar contains an entry for this variant (Variation ID: 556574). An algorithm developed to predict the effect of missense changes on protein structure and function (PolyPhen-2) suggests that this variant is likely to be disruptive. Experimental studies have shown that this missense change affects ALDH3A2 function (PMID: 10577908). This variant disrupts the p.Arg228 amino acid residue in ALDH3A2. Other variant(s) that disrupt this residue have been determined to be pathogenic (PMID: 22397046, 29704247). This suggests that this residue is clinically significant, and that variants that disrupt this residue are likely to be disease-causing. For these reasons, this variant has been classified as Pathogenic.

Natera, Inc.
Classification: Pathogenic for Sjögren-Larsson syndrome. Last evaluated: 2025-07-29. Review status: criteria provided, single submitter. Criteria: Natera Variant Classification Schema (03/2026). Collection method: clinical testing. Allele origin: germline.
Comment: The c.682C>T variant in ALDH3A2 is a missense variant predicted to cause substitution of arginine to cysteine at amino acid 228. This variant is rare in the general population with a frequency below the threshold expected for the associated phenotype(s). This variant has been observed in one or more individuals affected with the associated recessive disease, as either homozygous or compound heterozygous with a second variant (PMID: 16476818, 30372562, 31642606, 32395410). Functional studies show that this variant may disrupt protein function (PMID: 10577908, 16837225). A different variant at the same position has been determined to be Pathogenic or Likely Pathogenic. Computational prediction algorithms indicate this variant is likely to affect gene or protein function. Given the available evidence, this variant is classified as Pathogenic.

First Genomix Gene Laboratory, Genetic Diagnostics Department
Classification: Pathogenic for Sjögren-Larsson syndrome. Last evaluated: 2025-01-27. Review status: criteria provided, single submitter. Criteria: ACMG Guidelines, 2015. Collection method: clinical testing. Allele origin: germline. Inheritance: Autosomal recessive inheritance. Affected: no. Observed: 1 variant allele.

Dubai Health Genomic Medicine Center, Dubai Health
Classification: Pathogenic for Sjogren-Larsson syndrome. Last evaluated: 2024-10-04. Review status: criteria provided, single submitter. Criteria: ACMG Guidelines, 2015. Collection method: research. Allele origin: germline. Affected: yes.
Comment: PS3,PM3,PP1,PM2,PP3,PM5

ARUP Laboratories, Molecular Genetics and Genomics, ARUP Laboratories
Classification: Pathogenic for Sjögren-Larsson syndrome. Last evaluated: 2022-03-10. Review status: criteria provided, single submitter. Criteria: ARUP Molecular Germline Variant Investigation Process 2021. Collection method: clinical testing. Allele origin: germline.

GeneDx
Classification: Pathogenic. Last evaluated: 2022-02-24. Review status: criteria provided, single submitter. Criteria: GeneDx Variant Classification Process June 2021. Collection method: clinical testing. Allele origin: germline. Affected: yes.
Comment: Published functional studies demonstrate a damaging effect with significant loss of enzyme activity for the R228C mutant at 9% of the wild-type activity (Rizzo et al., 1999); Not observed at significant frequency in large population cohorts (gnomAD); In silico analysis supports that this missense variant has a deleterious effect on protein structure/function; This variant is associated with the following publications: (PMID: 16476818, 10577908, 30925032, 31456290, 16837225, 28257279, 28471629, 25047030, 27717089, 32395410)

Fulgent Genetics
Classification: Pathogenic for Sjögren-Larsson syndrome. Last evaluated: 2022-01-17. Review status: criteria provided, single submitter. Criteria: ACMG Guidelines, 2015. Collection method: clinical testing. Allele origin: unknown.

Sharon lab, Hadassah-Hebrew University Medical Center
Classification: Likely pathogenic for SjÃ¶gren-Larsson syndrome. Last evaluated: 2019-06-23. Review status: no assertion criteria provided. Collection method: research. Allele origin: inherited. Affected: yes. Not counted in ClinVar's aggregate classification.

Counsyl
Classification: Likely pathogenic for Sjögren-Larsson syndrome. Last evaluated: 2018-02-07. Review status: no assertion criteria provided. Collection method: clinical testing. Allele origin: unknown. Not counted in ClinVar's aggregate classification.

Literature cited by the submitters: PubMed 10577908 (cited by 3 submitters); PubMed 27717089 (cited by Labcorp Genetics (formerly Invitae), Labcorp and Counsyl); PubMed 28257279 (cited by Labcorp Genetics (formerly Invitae), Labcorp and Counsyl); PubMed 28471629 (cited by Labcorp Genetics (formerly Invitae), Labcorp and Counsyl); PubMed 30925032 (cited by Labcorp Genetics (formerly Invitae), Labcorp); PubMed 22397046 (cited by Labcorp Genetics (formerly Invitae), Labcorp); PubMed 29704247 (cited by Labcorp Genetics (formerly Invitae), Labcorp); PubMed 16476818 (cited by Natera, Inc.); PubMed 30372562 (cited by Natera, Inc.); PubMed 31642606 (cited by Natera, Inc.); PubMed 32395410 (cited by Natera, Inc.); PubMed 16837225 (cited by Natera, Inc. and Counsyl); PubMed 25047030 (cited by Counsyl).

NM_000382.3(ALDH3A2):c.682C>T (p.Arg228Cys)

Gene: ALDH3A2 (aldehyde dehydrogenase 3 family member A2; plus strand). Cytogenetic location: 17p11.2.
Variant type: single nucleotide variant.
Coding change: c.682C>T on transcript NM_000382.3 (MANE Select); coding-DNA position 682, C replaced by T.
Protein change: p.Arg228Cys; replaces arginine 228 with cysteine.
Molecular consequence: missense variant.
Genome position (GRCh38, 1-based): chr17:19,657,746, C>T. VCF-style: chr17-19657746-C-T. GRCh37 (hg19) VCF-style: chr17-19561059-C-T.
Other names: c.682C>T, p.Arg228Cys (NM_001031806.2, NM_001369136.1, NM_001369137.2 and 3 more transcripts); c.103C>T, p.Arg35Cys (NM_001369148.2); short protein forms R228C, R35C.
Identifiers: ClinVar variation 556574 (VCV000556574.19), dbSNP rs72547566, ClinGen allele CA288545096.